The following is an entry in ClinVar:

ClinVar aggregate classification (germline): Pathogenic (1 of 4 stars; one submission).

Conditions:
Primary ciliary dyskinesia. Also called: Ciliary dyskinesia. Identifiers: Orphanet 244, MedGen C0008780, MONDO:0016575, HP:0012265.

Submission:

Labcorp Genetics (formerly Invitae), Labcorp
Classification: Pathogenic for Primary ciliary dyskinesia. Last evaluated: 2025-07-09. Review status: criteria provided, single submitter. Criteria: Invitae Variant Classification Sherloc (09022015). Collection method: clinical testing. Allele origin: germline.
Comment: This sequence change creates a premature translational stop signal (p.Gly2493Alafs*54) in the DNAH5 gene. It is expected to result in an absent or disrupted protein product. Loss-of-function variants in DNAH5 are known to be pathogenic (PMID: 11788826, 16627867). This variant is not present in population databases (gnomAD no frequency). This variant has not been reported in the literature in individuals affected with DNAH5-related conditions. ClinVar contains an entry for this variant (Variation ID: 1451337). For these reasons, this variant has been classified as Pathogenic.

Literature cited by the submitters: PubMed 11788826; PubMed 16627867.

NM_001369.3(DNAH5):c.7478_7500del (p.Gly2493fs)

Gene: DNAH5 (dynein axonemal heavy chain 5; minus strand). Cytogenetic location: 5p15.2.
Variant type: Deletion.
Coding change: c.7478_7500del on transcript NM_001369.3 (MANE Select); coding-DNA positions 7478 to 7500, 23 bases deleted (GGGCGGCGCTGGAGCTGGACGGA).
Protein change: p.Gly2493fs; shifts the reading frame from glycine 2493.
Molecular consequence: frameshift variant.
Genome position (GRCh38, 1-based): chr5:13,810,168-13,810,190, TCCGTCCAGCTCCAGCGCCGCCC deleted on the plus strand (GGGCGGCGCTGGAGCTGGACGGA on the coding strand, the reverse complement: DNAH5 is on the minus strand). VCF-style (leftmost placement, unchanged base first): chr5-13810167-GTCCGTCCAGCTCCAGCGCCGCCC-G. GRCh37 (hg19) VCF-style: chr5-13810276-GTCCGTCCAGCTCCAGCGCCGCCC-G.
Other names: short protein forms G2493fs.
Identifiers: ClinVar variation 1451337 (VCV001451337.6), dbSNP rs2127014587, ClinGen allele CA2573138464.